The following is an entry in ClinVar:

NM_014679.5(CEP57):c.165T>G (p.Ser55Arg)

Gene: CEP57 (centrosomal protein 57; plus strand). Cytogenetic location: 11q21.
Variant type: single nucleotide variant.
Coding change: c.165T>G on transcript NM_014679.5 (MANE Select); coding-DNA position 165, T replaced by G.
Protein change: p.Ser55Arg; replaces serine 55 with arginine.
Molecular consequence: missense variant.
Genome position (GRCh38, 1-based): chr11:95,799,351, T>G. VCF-style: chr11-95799351-T-G. GRCh37 (hg19) VCF-style: chr11-95532515-T-G.
Other names: c.138T>G, p.Ser46Arg (NM_001243776.2); c.165T>G, p.Ser55Arg (NM_001243777.2, NM_001440871.1, NM_001440872.1 and 6 more transcripts); c.84T>G, p.Ser28Arg (NM_001363604.2, NM_001440869.1, NM_001440870.1 and 4 more transcripts); short protein forms S28R, S46R, S55R.
Identifiers: ClinVar variation 4226354 (VCV004226354.1).

ClinVar aggregate classification (germline): Uncertain significance (1 of 4 stars; one submission).

Conditions:
Inborn genetic diseases. Identifiers: MedGen C0950123, MeSH D030342.

Submission:

Ambry Genetics
Classification: Uncertain significance for Inborn genetic diseases. Last evaluated: 2025-07-18. Review status: criteria provided, single submitter. Criteria: Ambry Variant Classification Scheme 2023. Collection method: clinical testing. Allele origin: germline.
Comment: The p.S55R variant (also known as c.165T>G), located in coding exon 2 of the CEP57 gene, results from a T to G substitution at nucleotide position 165. The serine at codon 55 is replaced by arginine, an amino acid with dissimilar properties. This amino acid position is conserved. In addition, this alteration is predicted to be tolerated by in silico analysis. Based on the available evidence, the clinical significance of this variant remains unclear.